The following is an entry in ClinVar:

ClinVar aggregate classification (germline): Pathogenic. Review status: criteria provided, multiple submitters, no conflicts (2 of 4 stars). 3 submissions from 3 submitters: Pathogenic (3). Last evaluated 2024-08-14.

Conditions:
Liddle syndrome 3. Identifiers: MedGen C4748292, MONDO:0029132, OMIM 618126.
Pseudohypoaldosteronism, type IB1, autosomal recessive. Also called: Pseudohypoaldosteronism, Type I, Autosomal Recessive; PHA I, AUTOSOMAL RECESSIVE; Pseudohypoaldosteronism, Type I, Recessive; Autosomal recessive pseudohypoaldosteronism type 1. Identifiers: Orphanet 171876, Orphanet 756, MedGen C5774176, MONDO:0009917, OMIM 264350.
Bronchiectasis with or without elevated sweat chloride 2 (BESC2). Identifiers: Orphanet 60033, MedGen C2751666, MONDO:0013087, OMIM 613021.
SCNN1A-related disorder. Also called: SCNN1A-related disorders; SCNN1A-related condition.

gnomAD v4.1: 12 of 1,613,938 alleles (0.00074%); highest among the groups gnomAD compares: South Asian, 0.0022%; no homozygotes.

Submissions (3):

Blueprint Genetics
Classification: Pathogenic for SCNN1A-related disorders. Last evaluated: 2024-08-14. Review status: criteria provided, single submitter. Criteria: ACMG Guidelines, 2015. Collection method: clinical testing. Allele origin: germline. Affected: yes. Observed: 3 variant alleles.

Fulgent Genetics
Classification: Pathogenic for Pseudohypoaldosteronism, type IB1, autosomal recessive; Bronchiectasis with or without elevated sweat chloride 2; Liddle syndrome 3. Last evaluated: 2024-06-03. Review status: criteria provided, single submitter. Criteria: ACMG Guidelines, 2015. Collection method: clinical testing. Allele origin: germline.

Juno Genomics, Hangzhou Juno Genomics, Inc
Classification: Pathogenic for Pseudohypoaldosteronism, type IB1, autosomal recessive. Review status: criteria provided, single submitter. Criteria: ACMG Guidelines, 2015. Collection method: clinical testing. Allele origin: germline. Affected: yes.
Comment: Absent from controls (or at extremely low frequency if recessive) in Genome Aggregation Database, Exome Sequencing Project, 1000 Genomes Project, or Exome Aggregation Consortium.;Null variant in a gene where loss of function (LOF) is a known mechanism of disease.;For recessive disorders, detected in trans with a pathogenic variant.;Patient's phenotype or family history is highly specific for a disease with a single genetic etiology.

NM_001038.6(SCNN1A):c.1474C>T (p.Arg492Ter)

Gene: SCNN1A (sodium channel epithelial 1 subunit alpha; minus strand). Cytogenetic location: 12p13.31.
Variant type: single nucleotide variant.
Coding change: c.1474C>T on transcript NM_001038.6 (MANE Select); coding-DNA position 1474, C replaced by T.
Protein change: p.Arg492Ter; replaces arginine 492 with a stop codon.
Molecular consequence: nonsense.
Genome position (GRCh38, 1-based): chr12:6,349,187, G>A on the plus strand (C>T on the coding strand, the complement: SCNN1A is on the minus strand). VCF-style: chr12-6349187-G-A. GRCh37 (hg19) VCF-style: chr12-6458353-G-A.
Other names: c.1543C>T, p.Arg515Ter (NM_001159575.2); c.1651C>T, p.Arg551Ter (NM_001159576.2); short protein forms R515*, R551*, R492*.
Identifiers: ClinVar variation 3575087 (VCV003575087.3).
Genomic context (GRCh38, chr12:6,349,187, plus strand): 5'-ACACACATCCCCCACCCATCCCTTCCCCACACTCTACCTGGGATGTCACCGAGGGCCATC[G>A]TGAGTAACCAGCAGAGAGCTGGTAGCTGGTCACGCTGGGGATGGAGAAAGGTGCTCAGTG-3'